The following is an entry in ClinVar:

NM_000051.4(ATM):c.8850+1_8850+2dup

Genes: ATM (ATM serine/threonine kinase; plus strand), C11orf65 (chromosome 11 open reading frame 65; minus strand). Cytogenetic location: 11q22.3.
Variant type: Duplication.
Coding change: c.8850+1_8850+2dup on transcript NM_000051.4 (MANE Select); the canonical splice donor site of the intron after coding-DNA position 8850, 2 bases duplicated (GT; older notation c.8850+1_8850+2dupGT).
Molecular consequence: splice donor variant. On other transcripts: intron variant (2).
Genome position (GRCh38, 1-based): chr11:108,354,875-108,354,876, GT duplicated. VCF-style (leftmost placement, unchanged base first): chr11-108354874-G-GGT. GRCh37 (hg19) VCF-style: chr11-108225601-G-GGT.
Other names: c.8850+1_8850+2dup (NM_001351834.2); c.640+31044_640+31045dup (NM_001330368.2); c.695-19584_695-19583dup (NM_001351110.2).
Identifiers: ClinVar variation 3451889 (VCV003451889.1).
Genomic context (GRCh38, chr11:108,354,874, plus strand): 5'-CTGTGAGAAAACCATGGAAGTGATGAGAAACTCTCAGGAAACTCTGTTAACCATTGTAGA[G>GGT]GTAAAGTATTTTATAAGGAAGACTTTATTTTTTTTCTTACCAGGTAGACTGTGTATCTCA-3'

ClinVar aggregate classification (germline): Likely pathogenic (1 of 4 stars; one submission).

Conditions:
Hereditary cancer-predisposing syndrome. Also called: Tumor predisposition; Hereditary Cancer Syndrome; Neoplastic Syndromes, Hereditary; Hereditary neoplastic syndrome. Identifiers: Orphanet 140162, MedGen C0027672, MeSH D009386, MONDO:0015356.

Submission:

Ambry Genetics
Classification: Likely pathogenic for Hereditary cancer-predisposing syndrome. Last evaluated: 2024-10-28. Review status: criteria provided, single submitter. Criteria: Ambry Variant Classification Scheme 2023. Collection method: clinical testing. Allele origin: germline.
Comment: The c.8850+1_8850+2dupGT intronic variant begins one nucleotide after coding exon 60 in the ATM gene. This variant results from a duplication of two nucleotides at positions c.8850+1 to c.8850+2. This nucleotide region is highly conserved in available vertebrate species. In silico splice site analysis predicts that this alteration will weaken the native splice donor site. RNA studies have demonstrated that this alteration results in abnormal splicing in the set of samples tested (Ambry internal data). Based on the majority of available evidence to date, this variant is likely to be pathogenic.